The following is an entry in ClinVar:

ClinVar aggregate classification (germline): Pathogenic. Review status: criteria provided, multiple submitters, no conflicts (2 of 4 stars). 2 submissions from 2 submitters: Pathogenic (2). Last evaluated 2025-03-23.

Conditions:
Neurofibromatosis, type 1 (NF1). Also called: Neurofibromatosis, type I; VON RECKLINGHAUSEN DISEASE; NEUROFIBROMATOSIS, TYPE I, SOMATIC; Peripheral type neurofibromatosis. Identifiers: Orphanet 636, MedGen C0027831, MONDO:0018975, OMIM 162200. Disease mechanism: loss of function.

Submissions (2):

Labcorp Genetics (formerly Invitae), Labcorp
Classification: Pathogenic for Neurofibromatosis, type 1. Last evaluated: 2025-03-23. Review status: criteria provided, single submitter. Criteria: Invitae Variant Classification Sherloc (09022015). Collection method: clinical testing. Allele origin: germline.
Comment: This sequence change creates a premature translational stop signal (p.Trp2296Glyfs*2) in the NF1 gene. It is expected to result in an absent or disrupted protein product. Loss-of-function variants in NF1 are known to be pathogenic (PMID: 10712197, 23913538). This variant is not present in population databases (gnomAD no frequency). This premature translational stop signal has been observed in individual(s) with clinical features of neurofibromatosis type 1 (PMID: 18546366, 33877690). ClinVar contains an entry for this variant (Variation ID: 996503). For these reasons, this variant has been classified as Pathogenic.

Genome Diagnostics Laboratory, The Hospital for Sick Children
Classification: Pathogenic for Neurofibromatosis, type 1. Last evaluated: 2020-10-26. Review status: criteria provided, single submitter. Criteria: ACMG Guidelines, 2015. Collection method: clinical testing. Allele origin: germline. Affected: yes.

Literature cited by the submitters: PubMed 10712197 (cited by Labcorp Genetics (formerly Invitae), Labcorp); PubMed 23913538 (cited by Labcorp Genetics (formerly Invitae), Labcorp); PubMed 18546366 (cited by Labcorp Genetics (formerly Invitae), Labcorp); PubMed 33877690 (cited by Labcorp Genetics (formerly Invitae), Labcorp).

NM_001042492.3(NF1):c.6949del (p.Trp2317fs)

Gene: NF1 (neurofibromin 1; plus strand). Cytogenetic location: 17q11.2.
Variant type: Deletion.
Coding change: c.6949del on transcript NM_001042492.3 (MANE Select); coding-DNA position 6949, one base deleted (T; older notation c.6949delT).
Protein change: p.Trp2317fs; shifts the reading frame from tryptophan 2317.
Molecular consequence: frameshift variant.
Genome position (GRCh38, 1-based): chr17:31,340,532, T deleted; the last of 4 consecutive T bases (chr17:31,340,529-31,340,532); deleting any one gives the same sequence. VCF-style (leftmost placement, unchanged base first): chr17-31340528-CT-C. GRCh37 (hg19) VCF-style: chr17-29667546-CT-C.
Other names: c.6886delT (NM_000267.3); c.6886delT, p.Trp2296Glyfs (NM_000267.4); short protein forms W2296fs, W2317fs.
Identifiers: ClinVar variation 996503 (VCV000996503.4), dbSNP rs2069790360, ClinGen allele CA1139771131.